The following is an entry in ClinVar:

NM_003803.4(MYOM1):c.1863G>T (p.Trp621Cys)

Gene: MYOM1 (myomesin 1; minus strand). Cytogenetic location: 18p11.31.
Variant type: single nucleotide variant.
Coding change: c.1863G>T on transcript NM_003803.4 (MANE Select); coding-DNA position 1863, G replaced by T.
Protein change: p.Trp621Cys; replaces tryptophan 621 with cysteine.
Molecular consequence: missense variant.
Genome position (GRCh38, 1-based): chr18:3,149,182, C>A on the plus strand (G>T on the coding strand, the complement: MYOM1 is on the minus strand). VCF-style: chr18-3149182-C-A. GRCh37 (hg19) VCF-style: chr18-3149180-C-A.
Other names: c.1863G>T, p.Trp621Cys (NM_019856.2); short protein forms W621C.
Identifiers: ClinVar variation 1781546 (VCV001781546.2), dbSNP rs201006252, ClinGen allele CA295529162.

ClinVar aggregate classification (germline): Uncertain significance (1 of 4 stars; one submission).

Submission:

Ambry Genetics
Classification: Uncertain significance. Last evaluated: 2022-04-19. Review status: criteria provided, single submitter. Criteria: Ambry Variant Classification Scheme 2023. Collection method: clinical testing. Allele origin: germline.
Comment: The p.W621C variant (also known as c.1863G>T), located in coding exon 12 of the MYOM1 gene, results from a G to T substitution at nucleotide position 1863. The tryptophan at codon 621 is replaced by cysteine, an amino acid with highly dissimilar properties. This amino acid position is conserved. In addition, this alteration is predicted to be deleterious by in silico analysis. Since supporting evidence is limited at this time, the clinical significance of this alteration remains unclear.